The following is an entry in ClinVar:

NM_000051.4(ATM):c.8136G>A (p.Arg2712=)

Genes: C11orf65 (chromosome 11 open reading frame 65; minus strand), ATM (ATM serine/threonine kinase; plus strand). Cytogenetic location: 11q22.3.
Variant type: single nucleotide variant.
Coding change: c.8136G>A on transcript NM_000051.4 (MANE Select); coding-DNA position 8136, G replaced by A.
Protein change: p.Arg2712=; no amino-acid change (arginine 2712 retained).
Molecular consequence: synonymous variant. On other transcripts: intron variant (2).
Genome position (GRCh38, 1-based): chr11:108,335,094, G>A. VCF-style: chr11-108335094-G-A. GRCh37 (hg19) VCF-style: chr11-108205821-G-A.
Other names: c.8136G>A, p.Arg2712= (NM_001351834.2); c.641-26023C>T (NM_001330368.2); c.*38+126C>T (NM_001351110.2).
Identifiers: ClinVar variation 918571 (VCV000918571.7), dbSNP rs2086690149, ClinGen allele CA476677761.
Genomic context (GRCh38, chr11:108,335,094, plus strand): 5'-AGCAGGAGGTGTAAATTTACCAAAAATAATAGATTGTGTAGGTTCCGATGGCAAGGAGAG[G>A]AGACAGCTTGTTAAGGTGAGCCTTCCCTTCTCTGGCTTAGCCCTTAGAGTTTTAGTGATG-3'
Protein context (NP_000042.3, residues 2702-2722): IDCVGSDGKE[Arg2712=]RQLVKGRDDL

ClinVar aggregate classification (germline): Benign/Likely benign. Review status: criteria provided, multiple submitters, no conflicts (2 of 4 stars). 3 submissions from 3 submitters: Benign (1); Likely benign (2). Last evaluated 2024-06-18.

Conditions:
Hereditary cancer-predisposing syndrome. Also called: Tumor predisposition; Neoplastic Syndromes, Hereditary; Hereditary neoplastic syndrome; Hereditary Cancer Syndrome. Identifiers: Orphanet 140162, MedGen C0027672, MeSH D009386, MONDO:0015356.
Familial cancer of breast. Also called: Hereditary breast cancer; hereditary breast carcinoma; BREAST CANCER, FAMILIAL. Identifiers: Orphanet 227535, MedGen C0346153, MONDO:0016419, OMIM 114480. Disease mechanism: loss of function.

Submissions (3):

Myriad Genetics, Inc.
Classification: Benign for Familial cancer of breast. Last evaluated: 2024-06-18. Review status: criteria provided, single submitter. Criteria: Myriad Autosomal Dominant, Autosomal Recessive and X-Linked Classification Criteria (2023). Collection method: clinical testing. Allele origin: unknown.
Comment: This variant is considered benign. This variant is a silent/synonymous amino acid change and it is not expected to impact splicing.

Ambry Genetics
Classification: Likely benign for Hereditary cancer-predisposing syndrome. Last evaluated: 2022-07-12. Review status: criteria provided, single submitter. Criteria: Ambry Variant Classification Scheme 2023. Collection method: clinical testing. Allele origin: germline.

Color Diagnostics, LLC DBA Color Health
Classification: Likely benign for Hereditary cancer-predisposing syndrome. Last evaluated: 2019-08-27. Review status: criteria provided, single submitter. Criteria: ACMG Guidelines, 2015. Collection method: clinical testing. Allele origin: germline.